The following is an entry in ClinVar:

NM_006767.4(LZTR1):c.80G>A (p.Ser27Asn)

Genes: LZTR1 (leucine zipper like post translational regulator 1; plus strand), LOC130067016 (ATAC-STARR-seq lymphoblastoid silent region 13504; plus strand). Cytogenetic location: 22q11.21.
Variant type: single nucleotide variant.
Coding change: c.80G>A on transcript NM_006767.4 (MANE Select); coding-DNA position 80, G replaced by A.
Protein change: p.Ser27Asn; replaces serine 27 with asparagine.
Molecular consequence: missense variant.
Genome position (GRCh38, 1-based): chr22:20,982,451, G>A. VCF-style: chr22-20982451-G-A. GRCh37 (hg19) VCF-style: chr22-21336740-G-A.
Other names: short protein forms S27N.
Identifiers: ClinVar variation 1761995 (VCV001761995.9), dbSNP rs776383010, ClinGen allele CA410777626.

ClinVar aggregate classification (germline): Conflicting classifications of pathogenicity. Review status: criteria provided, conflicting classifications (1 of 4 stars). 3 submissions from 3 submitters: Uncertain significance (2); Likely benign (1). Last evaluated 2025-09-11.

Conditions:
Cardiovascular phenotype. Identifiers: MedGen CN230736.
Hereditary cancer-predisposing syndrome. Also called: Neoplastic Syndromes, Hereditary; Tumor predisposition; Hereditary Cancer Syndrome; Hereditary neoplastic syndrome. Identifiers: Orphanet 140162, MedGen C0027672, MeSH D009386, MONDO:0015356.

Allele frequency attached by ClinVar (database versions not stated): TOPMed 0.00001.

Submissions (3):

Labcorp Genetics (formerly Invitae), Labcorp
Classification: Uncertain significance. Last evaluated: 2025-09-11. Review status: criteria provided, single submitter. Criteria: Invitae Variant Classification Sherloc (09022015). Collection method: clinical testing. Allele origin: germline.
Comment: This sequence change replaces serine, which is neutral and polar, with asparagine, which is neutral and polar, at codon 27 of the LZTR1 protein (p.Ser27Asn). This variant is not present in population databases (gnomAD no frequency). This variant has not been reported in the literature in individuals affected with LZTR1-related conditions. ClinVar contains an entry for this variant (Variation ID: 1761995). Invitae Evidence Modeling of protein sequence and biophysical properties (such as structural, functional, and spatial information, amino acid conservation, physicochemical variation, residue mobility, and thermodynamic stability) indicates that this missense variant is not expected to disrupt LZTR1 protein function with a negative predictive value of 80%. In summary, the available evidence is currently insufficient to determine the role of this variant in disease. Therefore, it has been classified as a Variant of Uncertain Significance.

Ambry Genetics
Classification: Likely benign for Cardiovascular phenotype; Hereditary cancer-predisposing syndrome. Last evaluated: 2025-01-19. Review status: criteria provided, single submitter. Criteria: Ambry Variant Classification Scheme 2023. Collection method: clinical testing. Allele origin: germline.

GeneDx
Classification: Uncertain significance. Last evaluated: 2024-04-01. Review status: criteria provided, single submitter. Criteria: GeneDx Variant Classification Process June 2021. Collection method: clinical testing. Allele origin: germline. Affected: yes.
Comment: Not observed at significant frequency in large population cohorts (gnomAD); In silico analysis supports that this missense variant does not alter protein structure/function; Has not been previously published as pathogenic or benign to our knowledge